The following is an entry in ClinVar:

ClinVar aggregate classification (germline): Uncertain significance (1 of 4 stars; one submission).

Conditions:
Familial acute necrotizing encephalopathy (IIAE3). Also called: ENCEPHALOPATHY, ACUTE, INFECTION-INDUCED, SUSCEPTIBILITY TO, 3; Susceptibility to Acute Necrotizing Encephalopathy 1. Identifiers: Orphanet 88619, MedGen C2675556, MONDO:0011953, OMIM 608033.

Allele frequency attached by ClinVar (database versions not stated): gnomAD 0.00001; TOPMed 0.00001.
gnomAD v4.1: 1 of 1,609,570 alleles (0.000062%); highest among the groups gnomAD compares: African/African-American, 0.0013%; no homozygotes.

Submission:

Labcorp Genetics (formerly Invitae), Labcorp
Classification: Uncertain significance for Familial acute necrotizing encephalopathy. Last evaluated: 2024-07-19. Review status: criteria provided, single submitter. Criteria: Invitae Variant Classification Sherloc (09022015). Collection method: clinical testing. Allele origin: germline.
Comment: This sequence change replaces isoleucine, which is neutral and non-polar, with arginine, which is basic and polar, at codon 599 of the RANBP2 protein (p.Ile599Arg). This variant is present in population databases (no rsID available, gnomAD 0.01%). This variant has not been reported in the literature in individuals affected with RANBP2-related conditions. ClinVar contains an entry for this variant (Variation ID: 1464778). An algorithm developed to predict the effect of missense changes on protein structure and function (PolyPhen-2) suggests that this variant is likely to be tolerated. In summary, the available evidence is currently insufficient to determine the role of this variant in disease. Therefore, it has been classified as a Variant of Uncertain Significance.

NM_006267.5(RANBP2):c.1796T>G (p.Ile599Arg)

Gene: RANBP2 (RAN binding protein 2; plus strand). Cytogenetic location: 2q13.
Variant type: single nucleotide variant.
Coding change: c.1796T>G on transcript NM_006267.5 (MANE Select); coding-DNA position 1796, T replaced by G.
Protein change: p.Ile599Arg; replaces isoleucine 599 with arginine.
Molecular consequence: missense variant.
Genome position (GRCh38, 1-based): chr2:108,753,038, T>G. VCF-style: chr2-108753038-T-G. GRCh37 (hg19) VCF-style: chr2-109369494-T-G.
Other names: short protein forms I599R.
Identifiers: ClinVar variation 1464778 (VCV001464778.7), dbSNP rs771128114, ClinGen allele CA348051321.